The following is an entry in ClinVar:

ClinVar aggregate classification (germline): Uncertain significance (1 of 4 stars; one submission).

gnomAD v4.1: 27 of 1,508,544 alleles (0.0018%); highest among the groups gnomAD compares: South Asian, 0.033%; 1 homozygote.

Submission:

Labcorp Genetics (formerly Invitae), Labcorp
Classification: Uncertain significance. Last evaluated: 2025-07-06. Review status: criteria provided, single submitter. Criteria: Invitae Variant Classification Sherloc (09022015). Collection method: clinical testing. Allele origin: germline.
Comment: This sequence change replaces proline, which is neutral and non-polar, with alanine, which is neutral and non-polar, at codon 358 of the MAGEL2 protein (p.Pro358Ala). This variant is present in population databases (rs576726601, gnomAD 0.06%), including at least one homozygous and/or hemizygous individual. This variant has not been reported in the literature in individuals affected with MAGEL2-related conditions. Experimental studies and prediction algorithms are not available or were not evaluated, and the functional significance of this variant is currently unknown. In summary, the available evidence is currently insufficient to determine the role of this variant in disease. Therefore, it has been classified as a Variant of Uncertain Significance.

NM_019066.5(MAGEL2):c.1072C>G (p.Pro358Ala)

Gene: MAGEL2 (MAGE family member L2; minus strand). Cytogenetic location: 15q11.2.
Variant type: single nucleotide variant.
Coding change: c.1072C>G on transcript NM_019066.5 (MANE Select); coding-DNA position 1072, C replaced by G.
Protein change: p.Pro358Ala; replaces proline 358 with alanine.
Molecular consequence: missense variant.
Genome position (GRCh38, 1-based): chr15:23,646,671, G>C on the plus strand (C>G on the coding strand, the complement: MAGEL2 is on the minus strand). VCF-style: chr15-23646671-G-C. GRCh37 (hg19) VCF-style: chr15-23891818-G-C.
Other names: short protein forms P358A.
Identifiers: ClinVar variation 4735874 (VCV004735874.1).